The following is an entry in ClinVar:

ClinVar aggregate classification (germline): Uncertain significance (1 of 4 stars; one submission).

Conditions:
Autosomal recessive severe congenital neutropenia due to G6PC3 deficiency. Also called: NEUTROPENIA, SEVERE CONGENITAL, 4, AUTOSOMAL RECESSIVE; G6PC3 Deficiency. Identifiers: Orphanet 331176, MedGen C2751630, MONDO:0012930, OMIM 612541.

Allele frequency attached by ClinVar (database versions not stated): TOPMed below 0.00001; gnomAD 0.00001; gnomAD exomes below 0.00001.
gnomAD v4.1: 2 of 1,613,924 alleles (0.00012%); highest among the groups gnomAD compares: Admixed American, 0.0033%; no homozygotes.

Submission:

Labcorp Genetics (formerly Invitae), Labcorp
Classification: Uncertain significance for Autosomal recessive severe congenital neutropenia due to G6PC3 deficiency. Last evaluated: 2021-10-27. Review status: criteria provided, single submitter. Criteria: Invitae Variant Classification Sherloc (09022015). Collection method: clinical testing. Allele origin: germline.
Comment: This sequence change falls in intron 5 of the G6PC3 gene. It does not directly change the encoded amino acid sequence of the G6PC3 protein. It affects a nucleotide within the consensus splice site. This variant is present in population databases (no rsID available, gnomAD 0.006%). This variant has not been reported in the literature in individuals affected with G6PC3-related conditions. Variants that disrupt the consensus splice site are a relatively common cause of aberrant splicing (PMID: 17576681, 9536098). Algorithms developed to predict the effect of sequence changes on RNA splicing suggest that this variant may disrupt the consensus splice site. In summary, the available evidence is currently insufficient to determine the role of this variant in disease. Therefore, it has been classified as a Variant of Uncertain Significance.

Literature cited by the submitters: PubMed 17576681; PubMed 9536098.

NM_138387.4(G6PC3):c.677+4A>G

Gene: G6PC3 (glucose-6-phosphatase catalytic subunit 3; plus strand). Cytogenetic location: 17q21.31.
Variant type: single nucleotide variant.
Coding change: c.677+4A>G on transcript NM_138387.4 (MANE Select); 4 bases into the intron after coding-DNA position 677, A replaced by G.
Molecular consequence: intron variant.
Genome position (GRCh38, 1-based): chr17:44,075,455, A>G. VCF-style: chr17-44075455-A-G. GRCh37 (hg19) VCF-style: chr17-42152823-A-G.
Other names: c.332+4A>G (NM_001384168.1, NM_001384165.1, NM_001384166.1 and 1 more transcripts); c.558+4A>G (NM_001319945.2).
Identifiers: ClinVar variation 1500818 (VCV001500818.3), dbSNP rs1356008417, ClinGen allele CA626222744.